The following is an entry in ClinVar:

NM_152468.5(TMC8):c.1407C>A (p.Phe469Leu)

Gene: TMC8 (transmembrane channel like 8; plus strand). Cytogenetic location: 17q25.3.
Variant type: single nucleotide variant.
Coding change: c.1407C>A on transcript NM_152468.5 (MANE Select); coding-DNA position 1407, C replaced by A.
Protein change: p.Phe469Leu; replaces phenylalanine 469 with leucine.
Molecular consequence: missense variant.
Genome position (GRCh38, 1-based): chr17:78,138,062, C>A. VCF-style: chr17-78138062-C-A. GRCh37 (hg19) VCF-style: chr17-76134143-C-A.
Other names: short protein forms F469L.
Identifiers: ClinVar variation 566396 (VCV000566396.9), dbSNP rs528085214, ClinGen allele CA8796863.

ClinVar aggregate classification (germline): Uncertain significance (1 of 4 stars; one submission).

Conditions:
Epidermodysplasia verruciformis. Identifiers: Orphanet 302, MedGen C0014522, MONDO:0009176.

Allele frequency attached by ClinVar (database versions not stated): gnomAD below 0.00001 and 0.00003; TOPMed 0.00001; gnomAD exomes 0.00007 and 0.00010; ExAC 0.00009; 1000 Genomes Project 0.00040; 1000 Genomes Project 30x 0.00047.

Submission:

Labcorp Genetics (formerly Invitae), Labcorp
Classification: Uncertain significance for Epidermodysplasia verruciformis. Last evaluated: 2024-11-19. Review status: criteria provided, single submitter. Criteria: Invitae Variant Classification Sherloc (09022015). Collection method: clinical testing. Allele origin: germline.
Comment: This sequence change replaces phenylalanine, which is neutral and non-polar, with leucine, which is neutral and non-polar, at codon 469 of the TMC8 protein (p.Phe469Leu). This variant is present in population databases (rs528085214, gnomAD 0.08%). This variant has not been reported in the literature in individuals affected with TMC8-related conditions. ClinVar contains an entry for this variant (Variation ID: 566396). Invitae Evidence Modeling of protein sequence and biophysical properties (such as structural, functional, and spatial information, amino acid conservation, physicochemical variation, residue mobility, and thermodynamic stability) indicates that this missense variant is expected to disrupt TMC8 protein function with a positive predictive value of 80%. In summary, the available evidence is currently insufficient to determine the role of this variant in disease. Therefore, it has been classified as a Variant of Uncertain Significance.